The following is an entry in ClinVar:

NM_025137.4(SPG11):c.6174dup (p.Arg2059fs)

Gene: SPG11 (SPG11 vesicle trafficking associated, spatacsin; minus strand). Cytogenetic location: 15q21.1.
Variant type: Duplication.
Coding change: c.6174dup on transcript NM_025137.4 (MANE Select); coding-DNA position 6174, one base duplicated (A; older notation c.6174dupA).
Protein change: p.Arg2059fs; shifts the reading frame from arginine 2059.
Molecular consequence: frameshift variant. On other transcripts: intron variant (1).
Genome position (GRCh38, 1-based): chr15:44,573,578, T duplicated on the plus strand (A on the coding strand, the reverse complement: SPG11 is on the minus strand). VCF-style (leftmost placement, unchanged base first): chr15-44573577-G-GT. GRCh37 (hg19) VCF-style: chr15-44865775-G-GT.
Other names: c.6030dup, p.Arg2011fs (NM_001411132.1); c.5867-758dup (NM_001160227.2); short protein forms R2011fs, R2059fs.
Identifiers: ClinVar variation 3694794 (VCV003694794.2).

ClinVar aggregate classification (germline): Pathogenic (1 of 4 stars; one submission).

Conditions:
Hereditary spastic paraplegia 11. Also called: Spastic paraplegia, mental retardation and thin corpus callosum; SPASTIC PARAPLEGIA, AUTOSOMAL RECESSIVE, COMPLICATED, WITH THIN CORPUS CALLOSUM; SPASTIC PARAPLEGIA, AUTOSOMAL RECESSIVE, WITH MENTAL IMPAIRMENT AND THIN CORPUS CALLOSUM; Spastic Paraplegia 11; Nakamura Osame syndrome; Autosomal recessive hereditary spastic paraplegia, mental impairment, and thin corpus callosum. Identifiers: Orphanet 2822, MedGen C1858479, MONDO:0011445, OMIM 604360.

Submission:

Labcorp Genetics (formerly Invitae), Labcorp
Classification: Pathogenic for Hereditary spastic paraplegia 11. Last evaluated: 2024-02-19. Review status: criteria provided, single submitter. Criteria: Invitae Variant Classification Sherloc (09022015). Collection method: clinical testing. Allele origin: germline.
Comment: This sequence change creates a premature translational stop signal (p.Arg2059Thrfs*13) in the SPG11 gene. It is expected to result in an absent or disrupted protein product. Loss-of-function variants in SPG11 are known to be pathogenic (PMID: 19105190, 20110243, 22154821, 26556829). This variant is not present in population databases (gnomAD no frequency). This variant has not been reported in the literature in individuals affected with SPG11-related conditions. For these reasons, this variant has been classified as Pathogenic.

Literature cited by the submitters: PubMed 19105190; PubMed 20110243; PubMed 22154821; PubMed 26556829.